The following is an entry in ClinVar:

NM_002296.4(LBR):c.1564C>T (p.His522Tyr)

Gene: LBR (lamin B receptor; minus strand). Cytogenetic location: 1q42.12.
Variant type: single nucleotide variant.
Coding change: c.1564C>T on transcript NM_002296.4 (MANE Select); coding-DNA position 1564, C replaced by T.
Protein change: p.His522Tyr; replaces histidine 522 with tyrosine.
Molecular consequence: missense variant.
Genome position (GRCh38, 1-based): chr1:225,404,626, G>A on the plus strand (C>T on the coding strand, the complement: LBR is on the minus strand). VCF-style: chr1-225404626-G-A. GRCh37 (hg19) VCF-style: chr1-225592328-G-A.
Other names: c.1564C>T, p.His522Tyr (NM_194442.3); short protein forms H522Y.
Identifiers: ClinVar variation 2180967 (VCV002180967.4), dbSNP rs753611856, ClinGen allele CA1417109.

ClinVar aggregate classification (germline): Uncertain significance (1 of 4 stars; one submission).

Allele frequency attached by ClinVar (database versions not stated): gnomAD 0.00001; TOPMed 0.00001.
gnomAD v4.1: 91 of 1,606,718 alleles (0.0057%); highest among the groups gnomAD compares: Non-Finnish European, 0.0073%; no homozygotes.

Submission:

Labcorp Genetics (formerly Invitae), Labcorp
Classification: Uncertain significance. Last evaluated: 2025-11-25. Review status: criteria provided, single submitter. Criteria: Invitae Variant Classification Sherloc (09022015). Collection method: clinical testing. Allele origin: germline.
Comment: This sequence change replaces histidine, which is basic and polar, with tyrosine, which is neutral and polar, at codon 522 of the LBR protein (p.His522Tyr). This variant is present in population databases (rs753611856, gnomAD 0.008%). This variant has not been reported in the literature in individuals affected with LBR-related conditions. ClinVar contains an entry for this variant (Variation ID: 2180967). An algorithm developed to predict the effect of missense changes on protein structure and function (PolyPhen-2) suggests that this variant is likely to be tolerated. In summary, the available evidence is currently insufficient to determine the role of this variant in disease. Therefore, it has been classified as a Variant of Uncertain Significance.